The following is an entry in ClinVar:

ClinVar aggregate classification (germline): Uncertain significance (1 of 4 stars; one submission).

Conditions:
Familial adenomatous polyposis 1 (FAP1). Also called: FAMILIAL ADENOMATOUS POLYPOSIS 1, ATTENUATED; POLYPOSIS, ADENOMATOUS INTESTINAL. Identifiers: MedGen C2713442, MONDO:0021056, OMIM 175100. Disease mechanism: loss of function.

Submission:

Labcorp Genetics (formerly Invitae), Labcorp
Classification: Uncertain significance for Familial adenomatous polyposis 1. Last evaluated: 2024-08-28. Review status: criteria provided, single submitter. Criteria: Invitae Variant Classification Sherloc (09022015). Collection method: clinical testing. Allele origin: germline.
Comment: This sequence change replaces serine, which is neutral and polar, with threonine, which is neutral and polar, at codon 2771 of the APC protein (p.Ser2771Thr). This variant is not present in population databases (gnomAD no frequency). This variant has not been reported in the literature in individuals affected with APC-related conditions. Invitae Evidence Modeling of protein sequence and biophysical properties (such as structural, functional, and spatial information, amino acid conservation, physicochemical variation, residue mobility, and thermodynamic stability) indicates that this missense variant is not expected to disrupt APC protein function with a negative predictive value of 95%. In summary, the available evidence is currently insufficient to determine the role of this variant in disease. Therefore, it has been classified as a Variant of Uncertain Significance.

NM_000038.6(APC):c.8312G>C (p.Ser2771Thr)

Gene: APC (APC regulator of Wnt signaling pathway; plus strand). Cytogenetic location: 5q22.2.
Variant type: single nucleotide variant.
Coding change: c.8312G>C on transcript NM_000038.6 (MANE Select); coding-DNA position 8312, G replaced by C.
Protein change: p.Ser2771Thr; replaces serine 2771 with threonine.
Molecular consequence: missense variant. On other transcripts: non-coding transcript variant (2).
Genome position (GRCh38, 1-based): chr5:112,843,906, G>C. VCF-style: chr5-112843906-G-C. GRCh37 (hg19) VCF-style: chr5-112179603-G-C.
Other names: c.8312G>C, p.Ser2771Thr (NM_001127510.3, NM_001354895.2, NM_001407450.1); c.8258G>C, p.Ser2753Thr (NM_001127511.3); c.8366G>C, p.Ser2789Thr (NM_001354896.2, NM_001407447.1, NM_001407448.1 and 1 more transcripts); c.8342G>C, p.Ser2781Thr (NM_001354897.2); c.8237G>C, p.Ser2746Thr (NM_001354898.2); c.8228G>C, p.Ser2743Thr (NM_001354899.2); c.8189G>C, p.Ser2730Thr (NM_001354900.2); c.8135G>C, p.Ser2712Thr (NM_001354901.2, NM_001407453.1); and 11 more; short protein forms S2387T, S2712T, S2789T, S2799T, S2488T, S2642T, S2730T, S2743T.
Identifiers: ClinVar variation 3635528 (VCV003635528.2).